The following is an entry in ClinVar:

NM_206933.4(USH2A):c.12807_12810del (p.Val4270fs)

Gene: USH2A (usherin; minus strand). Cytogenetic location: 1q41.
Variant type: Deletion.
Coding change: c.12807_12810del on transcript NM_206933.4 (MANE Select); coding-DNA positions 12807 to 12810, 4 bases deleted (TGTG; older notation c.12807_12810delTGTG).
Protein change: p.Val4270fs; shifts the reading frame from valine 4270.
Molecular consequence: frameshift variant.
Genome position (GRCh38, 1-based): chr1:215,675,101-215,675,104, CACA deleted on the plus strand (TGTG on the coding strand, the reverse complement: USH2A is on the minus strand). VCF-style (leftmost placement, unchanged base first): chr1-215675100-TCACA-T. GRCh37 (hg19) VCF-style: chr1-215848442-TCACA-T.
Other names: short protein forms V4270fs.
Identifiers: ClinVar variation 4081852 (VCV004081852.1).
Genomic context (GRCh38, chr1:215,675,100, plus strand): 5'-ACTGTTCTGGTGGGATCCAGGAAATCAGCAGTTTTTGGGGATTCATAGAAACATAGGATA[TCACA>T]GGTGGAGAGAGACCTTCTGGAGGTGCTTGCAATGTCCTCACCACATTCCAAGAGCTACAG-3'

ClinVar aggregate classification (germline): Pathogenic (1 of 4 stars; one submission).

Conditions:
USH2A-related disorder. Also called: USH2A-related condition; USH2A-related disorders. Identifiers: MedGen CN239332.

Submission:

Myriad Genetics, Inc.
Classification: Pathogenic for USH2A-related disorder. Last evaluated: 2025-04-29. Review status: criteria provided, single submitter. Criteria: Myriad Autosomal Dominant, Autosomal Recessive and X-Linked Classification Criteria (2023). Collection method: clinical testing. Allele origin: unknown.
Comment: NM_206933.2(USH2A):c.12807_12810delTGTG(V4270Yfs*6) is a frameshift variant classified as pathogenic in the context of USH2A-related disorders. V4270Yfs*6 has not been observed in cases with relevant disease. Relevant functional assessments of this variant are not available in the literature. V4270Yfs*6 has not been observed in referenced population frequency databases. In summary, NM_206933.2(USH2A):c.12807_12810delTGTG(V4270Yfs*6) is a frameshift variant in a gene where loss of function is a known mechanism of disease and is predicted to disrupt protein function. Please note: this variant was assessed in the context of healthy population screening.